The following is an entry in ClinVar:

NM_001042492.3(NF1):c.4595G>C (p.Gly1532Ala)

Gene: NF1 (neurofibromin 1; plus strand). Cytogenetic location: 17q11.2.
Variant type: single nucleotide variant.
Coding change: c.4595G>C on transcript NM_001042492.3 (MANE Select); coding-DNA position 4595, G replaced by C.
Protein change: p.Gly1532Ala; replaces glycine 1532 with alanine.
Molecular consequence: missense variant.
Genome position (GRCh38, 1-based): chr17:31,261,728, G>C. VCF-style: chr17-31261728-G-C. GRCh37 (hg19) VCF-style: chr17-29588746-G-C.
Other names: c.4532G>C, p.Gly1511Ala (NM_000267.4); short protein forms G1532A, G1511A.
Identifiers: ClinVar variation 3634559 (VCV003634559.2).

ClinVar aggregate classification (germline): Uncertain significance (1 of 4 stars; one submission).

Conditions:
Neurofibromatosis, type 1 (NF1). Also called: VON RECKLINGHAUSEN DISEASE; Peripheral type neurofibromatosis; NEUROFIBROMATOSIS, TYPE I, SOMATIC; Neurofibromatosis, type I. Identifiers: Orphanet 636, MedGen C0027831, MONDO:0018975, OMIM 162200. Disease mechanism: loss of function.

Submission:

Labcorp Genetics (formerly Invitae), Labcorp
Classification: Uncertain significance for Neurofibromatosis, type 1. Last evaluated: 2024-02-04. Review status: criteria provided, single submitter. Criteria: Invitae Variant Classification Sherloc (09022015). Collection method: clinical testing. Allele origin: germline.
Comment: This sequence change replaces glycine, which is neutral and non-polar, with alanine, which is neutral and non-polar, at codon 1511 of the NF1 protein (p.Gly1511Ala). This variant is not present in population databases (gnomAD no frequency). This variant has not been reported in the literature in individuals affected with NF1-related conditions. Advanced modeling of protein sequence and biophysical properties (such as structural, functional, and spatial information, amino acid conservation, physicochemical variation, residue mobility, and thermodynamic stability) performed at Invitae indicates that this missense variant is expected to disrupt NF1 protein function with a positive predictive value of 95%. Algorithms developed to predict the effect of sequence changes on RNA splicing suggest that this variant may disrupt the consensus splice site. In summary, the available evidence is currently insufficient to determine the role of this variant in disease. Therefore, it has been classified as a Variant of Uncertain Significance.